The following is an entry in ClinVar:

NM_005060.4(RORC):c.965A>G (p.His322Arg)

Gene: RORC (RAR related orphan receptor C; minus strand). Cytogenetic location: 1q21.3.
Variant type: single nucleotide variant.
Coding change: c.965A>G on transcript NM_005060.4 (MANE Select); coding-DNA position 965, A replaced by G.
Protein change: p.His322Arg; replaces histidine 322 with arginine.
Molecular consequence: missense variant.
Genome position (GRCh38, 1-based): chr1:151,813,589, T>C on the plus strand (A>G on the coding strand, the complement: RORC is on the minus strand). VCF-style: chr1-151813589-T-C. GRCh37 (hg19) VCF-style: chr1-151786065-T-C.
Other names: c.902A>G, p.His301Arg (NM_001001523.2); short protein forms H322R, H301R.
Identifiers: ClinVar variation 2053961 (VCV002053961.4), dbSNP rs2525615423, ClinGen allele CA342013109.

ClinVar aggregate classification (germline): Uncertain significance (1 of 4 stars; one submission).

Conditions:
Autosomal recessive mendelian susceptibility to mycobacterial diseases due to complete RORgamma receptor deficiency. Also called: Immunodeficiency 42. Identifiers: Orphanet 477857, MedGen C5567647, MONDO:0014710, OMIM 616622.

Submission:

Labcorp Genetics (formerly Invitae), Labcorp
Classification: Uncertain significance for Autosomal recessive mendelian susceptibility to mycobacterial diseases due to complete RORgamma receptor deficiency. Last evaluated: 2021-12-22. Review status: criteria provided, single submitter. Criteria: Invitae Variant Classification Sherloc (09022015). Collection method: clinical testing. Allele origin: germline.
Comment: This sequence change replaces histidine, which is basic and polar, with arginine, which is basic and polar, at codon 322 of the RORC protein (p.His322Arg). This variant is not present in population databases (gnomAD no frequency). This variant has not been reported in the literature in individuals affected with RORC-related conditions. Algorithms developed to predict the effect of missense changes on protein structure and function output the following: SIFT: "Tolerated"; PolyPhen-2: "Benign"; Align-GVGD: "Class C0". The arginine amino acid residue is found in multiple mammalian species, which suggests that this missense change does not adversely affect protein function. In summary, the available evidence is currently insufficient to determine the role of this variant in disease. Therefore, it has been classified as a Variant of Uncertain Significance.